The following is an entry in ClinVar:

ClinVar aggregate classification (germline): Uncertain significance (1 of 4 stars; one submission).

Conditions:
Epidermolysis bullosa simplex, Ogna type (EBS5A). Also called: Pidermolysis bullosa simplex 5A, Ogna type; EPIDERMOLYSIS BULLOSA SIMPLEX 5A, OGNA TYPE. Identifiers: Orphanet 79401, MedGen C0432317, MONDO:0007555, OMIM 131950.
Epidermolysis bullosa simplex 5C, with pyloric atresia (EBS5C). Also called: Epidermolysis bullosa simplex with pyloric atresia; PLEC-Related Epidermolysis Bullosa with Pyloric Atresia; PLEC1-Related Epidermolysis Bullosa with Pyloric Atresia. Identifiers: Orphanet 158684, MedGen C2677349, MONDO:0012807, OMIM 612138.
Epidermolysis bullosa simplex with nail dystrophy (EBS5D). Identifiers: MedGen C4225309, MONDO:0014661, OMIM 616487.
Epidermolysis bullosa simplex 5B, with muscular dystrophy (EBS5B). Also called: EPIDERMOLYSIS BULLOSA SIMPLEX AND LIMB-GIRDLE MUSCULAR DYSTROPHY; Epidermolysis bullosa simplex with muscular dystrophy. Identifiers: Orphanet 257, MedGen C2931072, MONDO:0009181, OMIM 226670.
Autosomal recessive limb-girdle muscular dystrophy type 2Q (LGMDR17). Also called: MUSCULAR DYSTROPHY, LIMB-GIRDLE, AUTOSOMAL RECESSIVE 17. Identifiers: Orphanet 254361, MedGen C3150989, MONDO:0013390, OMIM 613723.

Allele frequency attached by ClinVar (database versions not stated): gnomAD 0.00001; gnomAD exomes 0.00001 and 0.00003; TOPMed 0.00001; ExAC 0.00003.
gnomAD v4.1: 19 of 1,612,312 alleles (0.0012%); highest among the groups gnomAD compares: Middle Eastern, 0.033%; no homozygotes.

Submission:

Labcorp Genetics (formerly Invitae), Labcorp
Classification: Uncertain significance for Autosomal recessive limb-girdle muscular dystrophy type 2Q; Epidermolysis bullosa simplex, Ogna type; Epidermolysis bullosa simplex with nail dystrophy; Epidermolysis bullosa simplex 5C, with pyloric atresia; Epidermolysis bullosa simplex 5B, with muscular dystrophy. Last evaluated: 2022-07-19. Review status: criteria provided, single submitter. Criteria: Invitae Variant Classification Sherloc (09022015). Collection method: clinical testing. Allele origin: germline.
Comment: In summary, the available evidence is currently insufficient to determine the role of this variant in disease. Therefore, it has been classified as a Variant of Uncertain Significance. Algorithms developed to predict the effect of sequence changes on RNA splicing suggest that this variant may create or strengthen a splice site. Algorithms developed to predict the effect of missense changes on protein structure and function output the following: SIFT: "Tolerated"; PolyPhen-2: "Benign"; Align-GVGD: "Class C0". The serine amino acid residue is found in multiple mammalian species, which suggests that this missense change does not adversely affect protein function. ClinVar contains an entry for this variant (Variation ID: 651467). This variant has not been reported in the literature in individuals affected with PLEC-related conditions. This variant is present in population databases (rs782453445, gnomAD 0.01%). This sequence change replaces asparagine, which is neutral and polar, with serine, which is neutral and polar, at codon 2778 of the PLEC protein (p.Asn2778Ser).

NM_201384.3(PLEC):c.8252A>G (p.Asn2751Ser)

Gene: PLEC (plectin; minus strand). Cytogenetic location: 8q24.3.
Variant type: single nucleotide variant.
Coding change: c.8252A>G on transcript NM_201384.3 (MANE Select); coding-DNA position 8252, A replaced by G.
Protein change: p.Asn2751Ser; replaces asparagine 2751 with serine.
Molecular consequence: missense variant.
Genome position (GRCh38, 1-based): chr8:143,921,569, T>C on the plus strand (A>G on the coding strand, the complement: PLEC is on the minus strand). VCF-style: chr8-143921569-T-C. GRCh37 (hg19) VCF-style: chr8-144995737-T-C.
Other names: c.8333A>G, p.Asn2778Ser (NM_000445.5); c.8210A>G, p.Asn2737Ser (NM_201378.4); c.8186A>G, p.Asn2729Ser (NM_201379.3); c.8663A>G, p.Asn2888Ser (NM_201380.4); c.8156A>G, p.Asn2719Ser (NM_201381.3); c.8252A>G, p.Asn2751Ser (NM_201382.4); c.8264A>G, p.Asn2755Ser (NM_201383.3); short protein forms N2751S, N2778S, N2719S, N2755S, N2737S, N2729S, N2888S.
Identifiers: ClinVar variation 651467 (VCV000651467.4), dbSNP rs782453445, ClinGen allele CA4925379.